The following is an entry in ClinVar:

ClinVar aggregate classification (germline): Uncertain significance (1 of 4 stars; one submission).

Conditions:
Primary ciliary dyskinesia 30. Also called: CILIARY DYSKINESIA, PRIMARY, 30, WITH OR WITHOUT SITUS INVERSUS. Identifiers: Orphanet 244, MedGen C4015016, MONDO:0014465, OMIM 616037.

Allele frequency attached by ClinVar (database versions not stated): gnomAD 0.00001; gnomAD exomes 0.00001.

Submission:

Labcorp Genetics (formerly Invitae), Labcorp
Classification: Uncertain significance for Primary ciliary dyskinesia 30. Last evaluated: 2018-08-25. Review status: criteria provided, single submitter. Criteria: Invitae Variant Classification Sherloc (09022015). Collection method: clinical testing. Allele origin: germline.
Comment: This sequence change replaces leucine with proline at codon 488 of the CCDC151 protein (p.Leu488Pro). The leucine residue is highly conserved and there is a moderate physicochemical difference between leucine and proline. This variant is not present in population databases (ExAC no frequency). This variant has not been reported in the literature in individuals with CCDC151-related disease. Algorithms developed to predict the effect of missense changes on protein structure and function output the following: SIFT: "Tolerated"; PolyPhen-2: "Benign"; Align-GVGD: "Class C0". The proline amino acid residue is found in multiple mammalian species, suggesting that this missense change does not adversely affect protein function. These predictions have not been confirmed by published functional studies and their clinical significance is uncertain. In summary, the available evidence is currently insufficient to determine the role of this variant in disease. Therefore, it has been classified as a Variant of Uncertain Significance.

NM_145045.5(ODAD3):c.1463T>C (p.Leu488Pro)

Gene: ODAD3 (outer dynein arm docking complex subunit 3; minus strand). Cytogenetic location: 19p13.2.
Variant type: single nucleotide variant.
Coding change: c.1463T>C on transcript NM_145045.5 (MANE Select); coding-DNA position 1463, T replaced by C.
Protein change: p.Leu488Pro; replaces leucine 488 with proline.
Molecular consequence: missense variant.
Genome position (GRCh38, 1-based): chr19:11,421,804, A>G on the plus strand (T>C on the coding strand, the complement: ODAD3 is on the minus strand). VCF-style: chr19-11421804-A-G. GRCh37 (hg19) VCF-style: chr19-11532472-A-G.
Other names: c.1301T>C, p.Leu434Pro (NM_001302453.1); c.1283T>C, p.Leu428Pro (NM_001302454.2); short protein forms L428P, L434P, L488P.
Identifiers: ClinVar variation 660391 (VCV000660391.8), dbSNP rs1220505441, ClinGen allele CA404119393.
Genomic context (GRCh38, chr19:11,421,804, plus strand): 5'-AGCAGCTTTTCCTCCACGAGGCCCAGCAGGTTTGGCACATAGTTATCTGCCTGGGGATCC[A>G]GCTCCTTTCCCGCGAAGCGGCCGTCCTCCTGCGGCCAGGGTAGAGCCGGGTCAGCCGAGA-3'
Protein context (NP_659482.3, residues 478-498): VEDGRFAGKE[Leu488Pro]DPQADNYVPN